The following is an entry in ClinVar:

ClinVar aggregate classification (germline): Uncertain significance (1 of 4 stars; one submission).

Submission:

Labcorp Genetics (formerly Invitae), Labcorp
Classification: Uncertain significance. Last evaluated: 2025-04-10. Review status: criteria provided, single submitter. Criteria: Invitae Variant Classification Sherloc (09022015). Collection method: clinical testing. Allele origin: germline.
Comment: This sequence change replaces methionine, which is neutral and non-polar, with isoleucine, which is neutral and non-polar, at codon 1464 of the TCF20 protein (p.Met1464Ile). This variant is not present in population databases (gnomAD no frequency). This variant has not been reported in the literature in individuals affected with TCF20-related conditions. An algorithm developed to predict the effect of missense changes on protein structure and function (PolyPhen-2) suggests that this variant is likely to be tolerated. In summary, the available evidence is currently insufficient to determine the role of this variant in disease. Therefore, it has been classified as a Variant of Uncertain Significance.

NM_001378418.1(TCF20):c.4392G>T (p.Met1464Ile)

Gene: TCF20 (transcription factor 20; minus strand). Cytogenetic location: 22q13.2.
Variant type: single nucleotide variant.
Coding change: c.4392G>T on transcript NM_001378418.1 (MANE Select); coding-DNA position 4392, G replaced by T.
Protein change: p.Met1464Ile; replaces methionine 1464 with isoleucine.
Molecular consequence: missense variant.
Genome position (GRCh38, 1-based): chr22:42,210,914, C>A on the plus strand (G>T on the coding strand, the complement: TCF20 is on the minus strand). VCF-style: chr22-42210914-C-A. GRCh37 (hg19) VCF-style: chr22-42606920-C-A.
Other names: c.4392G>T, p.Met1464Ile (NM_005650.4, NM_181492.3); short protein forms M1464I.
Identifiers: ClinVar variation 4717095 (VCV004717095.1).